The following is an entry in ClinVar:

NM_014846.4(WASHC5):c.913G>T (p.Glu305Ter)

Gene: WASHC5 (WASH complex subunit 5; minus strand). Cytogenetic location: 8q24.13.
Variant type: single nucleotide variant.
Coding change: c.913G>T on transcript NM_014846.4 (MANE Select); coding-DNA position 913, G replaced by T.
Protein change: p.Glu305Ter; replaces glutamic acid 305 with a stop codon.
Molecular consequence: nonsense.
Genome position (GRCh38, 1-based): chr8:125,075,063, C>A on the plus strand (G>T on the coding strand, the complement: WASHC5 is on the minus strand). VCF-style: chr8-125075063-C-A. GRCh37 (hg19) VCF-style: chr8-126087305-C-A.
Other names: c.469G>T, p.Glu157Ter (NM_001330609.2); short protein forms E157*, E305*.
Identifiers: ClinVar variation 1510703 (VCV001510703.6), dbSNP rs377540152, ClinGen allele CA372194985.

ClinVar aggregate classification (germline): Pathogenic (1 of 4 stars; one submission).

Conditions:
Hereditary spastic paraplegia 8 (SPG8). Also called: SPASTIC PARAPLEGIA 8, AUTOSOMAL DOMINANT. Identifiers: Orphanet 100989, MedGen C1863704, MONDO:0011339, OMIM 603563.
Ritscher-Schinzel syndrome. Also called: CRANIOCEREBELLOCARDIAC DYSPLASIA. Identifiers: Orphanet 7, MedGen C0796137, MONDO:0019078.

Submission:

Labcorp Genetics (formerly Invitae), Labcorp
Classification: Pathogenic for Ritscher-Schinzel syndrome; Hereditary spastic paraplegia 8. Last evaluated: 2023-04-24. Review status: criteria provided, single submitter. Criteria: Invitae Variant Classification Sherloc (09022015). Collection method: clinical testing. Allele origin: germline.
Comment: For these reasons, this variant has been classified as Pathogenic. ClinVar contains an entry for this variant (Variation ID: 1510703). This sequence change creates a premature translational stop signal (p.Glu305*) in the WASHC5 gene. It is expected to result in an absent or disrupted protein product. Loss-of-function variants in WASHC5 are known to be pathogenic (PMID: 24065355). This variant is not present in population databases (gnomAD no frequency). This variant has not been reported in the literature in individuals affected with WASHC5-related conditions.

Literature cited by the submitters: PubMed 24065355.